The following is an entry in ClinVar:

ClinVar aggregate classification (germline): Uncertain significance. Review status: criteria provided, multiple submitters, no conflicts (2 of 4 stars). 2 submissions from 2 submitters: Uncertain significance (2). Last evaluated 2024-10-03.

Conditions:
Hereditary cancer-predisposing syndrome. Also called: Neoplastic Syndromes, Hereditary; Hereditary Cancer Syndrome; Hereditary neoplastic syndrome; Tumor predisposition. Identifiers: Orphanet 140162, MedGen C0027672, MeSH D009386, MONDO:0015356.
DICER1-related tumor predisposition. Also called: DICER1-related pleuropulmonary blastoma cancer predisposition syndrome; DICER1 syndrome. Identifiers: Orphanet 284343, MedGen C3839822, MONDO:0100216.

Allele frequency attached by ClinVar (database versions not stated): gnomAD exomes below 0.00001.
gnomAD v4.1: 4 of 1,613,432 alleles (0.00025%); highest among the groups gnomAD compares: Non-Finnish European, 0.00025%; no homozygotes.

Submissions (2):

Ambry Genetics
Classification: Uncertain significance for Hereditary cancer-predisposing syndrome. Last evaluated: 2024-10-03. Review status: criteria provided, single submitter. Criteria: Ambry Variant Classification Scheme 2023. Collection method: clinical testing. Allele origin: germline.
Comment: The p.H145Q variant (also known as c.435C>G), located in coding exon 3 of the DICER1 gene, results from a C to G substitution at nucleotide position 435. The histidine at codon 145 is replaced by glutamine, an amino acid with highly similar properties. This amino acid position is well conserved in available vertebrate species. In addition, this alteration is predicted to be tolerated by in silico analysis. Based on the available evidence, the clinical significance of this variant remains unclear.

Labcorp Genetics (formerly Invitae), Labcorp
Classification: Uncertain significance for DICER1-related tumor predisposition. Last evaluated: 2023-08-31. Review status: criteria provided, single submitter. Criteria: Invitae Variant Classification Sherloc (09022015). Collection method: clinical testing. Allele origin: germline.
Comment: Advanced modeling of protein sequence and biophysical properties (such as structural, functional, and spatial information, amino acid conservation, physicochemical variation, residue mobility, and thermodynamic stability) performed at Invitae indicates that this missense variant is expected to disrupt DICER1 protein function. In summary, the available evidence is currently insufficient to determine the role of this variant in disease. Therefore, it has been classified as a Variant of Uncertain Significance. ClinVar contains an entry for this variant (Variation ID: 824822). This sequence change replaces histidine, which is basic and polar, with glutamine, which is neutral and polar, at codon 145 of the DICER1 protein (p.His145Gln). This variant is present in population databases (no rsID available, gnomAD 0.0009%). This variant has not been reported in the literature in individuals affected with DICER1-related conditions.

NM_177438.3(DICER1):c.435C>G (p.His145Gln)

Gene: DICER1 (dicer 1, ribonuclease III; minus strand). Cytogenetic location: 14q32.13.
Variant type: single nucleotide variant.
Coding change: c.435C>G on transcript NM_177438.3 (MANE Select); coding-DNA position 435, C replaced by G.
Protein change: p.His145Gln; replaces histidine 145 with glutamine.
Molecular consequence: missense variant.
Genome position (GRCh38, 1-based): chr14:95,131,512, G>C on the plus strand (C>G on the coding strand, the complement: DICER1 is on the minus strand). VCF-style: chr14-95131512-G-C. GRCh37 (hg19) VCF-style: chr14-95597849-G-C.
Other names: c.435C>G, p.His145Gln (NM_001195573.1, NM_001271282.3, NM_001291628.2 and 1 more transcripts); short protein forms H145Q.
Identifiers: ClinVar variation 824822 (VCV000824822.9), dbSNP rs1473045432, ClinGen allele CA390888770.